The following is an entry in ClinVar:

ClinVar aggregate classification (germline): Uncertain significance. Review status: criteria provided, multiple submitters, no conflicts (2 of 4 stars). 2 submissions from 2 submitters: Uncertain significance (2). Last evaluated 2025-05-05.

Allele frequency attached by ClinVar (database versions not stated): 1000 Genomes Project 30x 0.00016; 1000 Genomes Project 0.00020; gnomAD 0.00009; TOPMed 0.00010; ExAC 0.00008; ESP Exome Variant Server 0.00008.
gnomAD v4.1: 110 of 1,614,080 alleles (0.0068%); highest among the groups gnomAD compares: Admixed American, 0.0067%; no homozygotes.

Submissions (2):

Labcorp Genetics (formerly Invitae), Labcorp
Classification: Uncertain significance. Last evaluated: 2025-05-05. Review status: criteria provided, single submitter. Criteria: Invitae Variant Classification Sherloc (09022015). Collection method: clinical testing. Allele origin: germline.
Comment: This sequence change replaces arginine, which is basic and polar, with cysteine, which is neutral and slightly polar, at codon 474 of the ROR1 protein (p.Arg474Cys). This variant is present in population databases (rs143592714, gnomAD 0.03%). This variant has not been reported in the literature in individuals affected with ROR1-related conditions. ClinVar contains an entry for this variant (Variation ID: 2356902). Invitae Evidence Modeling of protein sequence and biophysical properties (such as structural, functional, and spatial information, amino acid conservation, physicochemical variation, residue mobility, and thermodynamic stability) indicates that this missense variant is expected to disrupt ROR1 protein function with a positive predictive value of 80%. In summary, the available evidence is currently insufficient to determine the role of this variant in disease. Therefore, it has been classified as a Variant of Uncertain Significance.

Ambry Genetics
Classification: Uncertain significance. Last evaluated: 2024-12-09. Review status: criteria provided, single submitter. Criteria: Ambry Variant Classification Scheme 2023. Collection method: clinical testing. Allele origin: germline.

NM_005012.4(ROR1):c.1420C>T (p.Arg474Cys)

Gene: ROR1 (receptor tyrosine kinase like orphan receptor 1; plus strand). Cytogenetic location: 1p31.3.
Variant type: single nucleotide variant.
Coding change: c.1420C>T on transcript NM_005012.4 (MANE Select); coding-DNA position 1420, C replaced by T.
Protein change: p.Arg474Cys; replaces arginine 474 with cysteine.
Molecular consequence: missense variant.
Genome position (GRCh38, 1-based): chr1:64,177,461, C>T. VCF-style: chr1-64177461-C-T. GRCh37 (hg19) VCF-style: chr1-64643144-C-T.
Other names: short protein forms R474C.
Identifiers: ClinVar variation 2356902 (VCV002356902.6), dbSNP rs143592714, ClinGen allele CA890284.